The following is an entry in ClinVar:

ClinVar aggregate classification (germline): Conflicting classifications of pathogenicity. Review status: criteria provided, conflicting classifications (1 of 4 stars). 2 submissions from 2 submitters: Likely pathogenic (1); Uncertain significance (1). Last evaluated 2024-11-26.

Conditions:
Familial infantile myasthenia (CMS6). Also called: MYASTHENIC SYNDROME, PRESYNAPTIC, CONGENITAL, ASSOCIATED WITH EPISODIC APNEA; MYASTHENIC SYNDROME, CONGENITAL, 6, PRESYNAPTIC; Congenital myasthenic syndrome type 6. Identifiers: Orphanet 590, MedGen C0393929, MONDO:0009689, OMIM 254210.

Submissions (2):

3billion
Classification: Likely pathogenic for Familial infantile myasthenia. Last evaluated: 2024-11-26. Review status: criteria provided, single submitter. Criteria: ACMG Guidelines, 2015. Collection method: clinical testing. Allele origin: germline. Affected: yes.
Comment: The variant is not observed in the gnomAD v4.1.0 dataset. Predicted Consequence/Location: Missense variant In silico tool predictions suggest damaging effect of the variant on gene or gene product [REVEL: 0.74 (>=0.6, sensitivity 0.68 and specificity 0.92)]. The same nucleotide change resulting in the same amino acid change has been previously reported as pathogenic/likely pathogenic with strong evidence (PMID: 26789281 /3billion dataset). The variant has been reported to co-segregate with the disease in at least one similarly affected relative/individual in the same family or similarly affected unrelated family (PMID: 26789281). Therefore, this variant is classified as Likely pathogenic according to the recommendation of ACMG/AMP guideline.

Labcorp Genetics (formerly Invitae), Labcorp
Classification: Uncertain significance for Familial infantile myasthenia. Last evaluated: 2019-10-03. Review status: criteria provided, single submitter. Criteria: Invitae Variant Classification Sherloc (09022015). Collection method: clinical testing. Allele origin: germline.
Comment: This sequence change replaces valine with leucine at codon 306 of the CHAT protein (p.Val306Leu). The valine residue is highly conserved and there is a small physicochemical difference between valine and leucine. This variant is not present in population databases (ExAC no frequency). This variant has been observed to segregate with congenital myasthenic syndrome in a family (PMID: 26789281). Algorithms developed to predict the effect of missense changes on protein structure and function are either unavailable or do not agree on the potential impact of this missense change (SIFT: "Deleterious"; PolyPhen-2: "Probably Damaging"; Align-GVGD: "Class C0"). In summary, the available evidence is currently insufficient to determine the role of this variant in disease. Therefore, it has been classified as a Variant of Uncertain Significance.

Literature cited by the submitters: PubMed 26789281 (cited by 3billion and Labcorp Genetics (formerly Invitae), Labcorp).

NM_020549.5(CHAT):c.916G>C (p.Val306Leu)

Gene: CHAT (choline O-acetyltransferase; plus strand). Cytogenetic location: 10q11.23.
Variant type: single nucleotide variant.
Coding change: c.916G>C on transcript NM_020549.5 (MANE Select); coding-DNA position 916, G replaced by C.
Protein change: p.Val306Leu; replaces valine 306 with leucine.
Molecular consequence: missense variant.
Genome position (GRCh38, 1-based): chr10:49,625,636, G>C. VCF-style: chr10-49625636-G-C. GRCh37 (hg19) VCF-style: chr10-50833682-G-C.
Other names: c.562G>C, p.Val188Leu (NM_001142929.2, NM_001142934.2, NM_020984.4 and 2 more transcripts); c.670G>C, p.Val224Leu (NM_001142933.2); short protein forms V306L, V188L, V224L.
Identifiers: ClinVar variation 939029 (VCV000939029.2), dbSNP rs551219437, ClinGen allele CA376730367.